The following is an entry in ClinVar:

NM_004700.4(KCNQ4):c.1985C>G (p.Pro662Arg)

Gene: KCNQ4 (potassium voltage-gated channel subfamily Q member 4; plus strand). Cytogenetic location: 1p34.2.
Variant type: single nucleotide variant.
Coding change: c.1985C>G on transcript NM_004700.4 (MANE Select); coding-DNA position 1985, C replaced by G.
Protein change: p.Pro662Arg; replaces proline 662 with arginine.
Molecular consequence: missense variant.
Genome position (GRCh38, 1-based): chr1:40,838,420, C>G. VCF-style: chr1-40838420-C-G. GRCh37 (hg19) VCF-style: chr1-41304092-C-G.
Other names: c.1985C>G (NM_004700.3); c.1823C>G, p.Pro608Arg (NM_172163.3); short protein forms P662R, P608R.
Identifiers: ClinVar variation 2821127 (VCV002821127.4), dbSNP rs1648875788, ClinGen allele CA339891109.

ClinVar aggregate classification (germline): Uncertain significance. Review status: criteria provided, multiple submitters, no conflicts (2 of 4 stars). 2 submissions from 2 submitters: Uncertain significance (2). Last evaluated 2024-12-17.

Allele frequency attached by ClinVar (database versions not stated): gnomAD exomes below 0.00001; gnomAD 0.00001.
gnomAD v4.1: 2 of 1,614,006 alleles (0.00012%); highest among the groups gnomAD compares: Non-Finnish European, 0.00017%; no homozygotes.

Submissions (2):

GeneDx
Classification: Uncertain significance. Last evaluated: 2024-12-17. Review status: criteria provided, single submitter. Criteria: GeneDx Variant Classification Process June 2021. Collection method: clinical testing. Allele origin: germline. Affected: yes.
Comment: Not observed at significant frequency in large population cohorts (gnomAD); In silico analysis supports that this missense variant has a deleterious effect on protein structure/function; Has not been previously published as pathogenic or benign to our knowledge

Labcorp Genetics (formerly Invitae), Labcorp
Classification: Uncertain significance. Last evaluated: 2022-12-15. Review status: criteria provided, single submitter. Criteria: Invitae Variant Classification Sherloc (09022015). Collection method: clinical testing. Allele origin: germline.
Comment: This variant is not present in population databases (gnomAD no frequency). This sequence change replaces proline, which is neutral and non-polar, with arginine, which is basic and polar, at codon 662 of the KCNQ4 protein (p.Pro662Arg). This variant has not been reported in the literature in individuals affected with KCNQ4-related conditions. Algorithms developed to predict the effect of missense changes on protein structure and function (SIFT, PolyPhen-2, Align-GVGD) all suggest that this variant is likely to be tolerated. In summary, the available evidence is currently insufficient to determine the role of this variant in disease. Therefore, it has been classified as a Variant of Uncertain Significance.